The following is an entry in ClinVar:

NM_001267550.2(TTN):c.59902C>A (p.Pro19968Thr)

Genes: TTN (titin; minus strand), TTN-AS1 (TTN antisense RNA 1; plus strand), LOC126806424 (CDK7 strongly-dependent group 2 enhancer GRCh37_chr2:179456337-179457536; plus strand). Cytogenetic location: 2q31.2.
Variant type: single nucleotide variant.
Coding change: c.59902C>A on transcript NM_001267550.2 (MANE Select); coding-DNA position 59902, C replaced by A.
Protein change: p.Pro19968Thr; replaces proline 19968 with threonine.
Molecular consequence: missense variant.
Genome position (GRCh38, 1-based): chr2:178,592,002, G>T on the plus strand (C>A on the coding strand, the complement: TTN is on the minus strand). VCF-style: chr2-178592002-G-T. GRCh37 (hg19) VCF-style: chr2-179456729-G-T.
Other names: c.54979C>A, p.Pro18327Thr (NM_001256850.1); c.32707C>A, p.Pro10903Thr (NM_003319.4); c.52198C>A, p.Pro17400Thr (NM_133378.4); c.33082C>A, p.Pro11028Thr (NM_133432.3); c.33283C>A, p.Pro11095Thr (NM_133437.4); short protein forms P10903T, P11028T, P11095T, P17400T, P18327T, P19968T.
Identifiers: ClinVar variation 2635916 (VCV002635916.1), dbSNP rs758407490, ClinGen allele CA1992584.

ClinVar aggregate classification (germline): Uncertain significance (1 of 4 stars; one submission).

Conditions:
TTN-related disorder. Also called: TTN-related condition; TTN-related disease; TTN-related disorders.

Allele frequency attached by ClinVar (database versions not stated): gnomAD exomes below 0.00001; ExAC 0.00001.
gnomAD v4.1: 5 of 1,612,988 alleles (0.00031%); highest among the groups gnomAD compares: Non-Finnish European, 0.00034%; no homozygotes.

Submission:

PreventionGenetics, part of Exact Sciences
Classification: Uncertain significance for TTN-related condition. Last evaluated: 2023-02-22. Review status: criteria provided, single submitter. Criteria: ACMG Guidelines, 2015. Collection method: clinical testing. Allele origin: germline.
Comment: The TTN c.59902C>A variant is predicted to result in the amino acid substitution p.Pro19968Thr. To our knowledge, this variant has not been reported in the literature. This variant is reported in 0.0018% of alleles in individuals of European (Non-Finnish) descent in gnomAD. At this time, the clinical significance of this variant is uncertain due to the absence of conclusive functional and genetic evidence.